The following is an entry in ClinVar:

NM_000179.3(MSH6):c.3036A>G (p.Glu1012=)

Gene: MSH6 (mutS homolog 6; plus strand). Cytogenetic location: 2p16.3.
Variant type: single nucleotide variant.
Coding change: c.3036A>G on transcript NM_000179.3 (MANE Select); coding-DNA position 3036, A replaced by G.
Protein change: p.Glu1012=; no amino-acid change (glutamic acid 1012 retained).
Molecular consequence: synonymous variant.
Genome position (GRCh38, 1-based): chr2:47,801,019, A>G. VCF-style: chr2-47801019-A-G. GRCh37 (hg19) VCF-style: chr2-48028158-A-G.
Other names: c.2646A>G, p.Glu882= (NM_001281492.2); c.2130A>G, p.Glu710= (NM_001281493.2, NM_001281494.2).
Identifiers: ClinVar variation 1154732 (VCV001154732.13), dbSNP rs1669541868, ClinGen allele CA426121727.

ClinVar aggregate classification (germline): Benign/Likely benign. Review status: criteria provided, multiple submitters, no conflicts (2 of 4 stars). 4 submissions from 4 submitters: Benign (1); Likely benign (3). Last evaluated 2025-09-24.

Conditions:
Hereditary cancer-predisposing syndrome. Also called: Hereditary neoplastic syndrome; Hereditary Cancer Syndrome; Tumor predisposition; Neoplastic Syndromes, Hereditary. Identifiers: Orphanet 140162, MedGen C0027672, MeSH D009386, MONDO:0015356.
Hereditary nonpolyposis colorectal neoplasms. Identifiers: MedGen C0009405, MeSH D003123.
Lynch syndrome 5 (LYNCH5). Also called: Hereditary non-polyposis colorectal cancer, type 5; Colorectal cancer, hereditary nonpolyposis, type 5. Identifiers: Orphanet 144, MedGen C1833477, MONDO:0013710, OMIM 614350. Disease mechanism: loss of function.

Submissions (4):

Labcorp Genetics (formerly Invitae), Labcorp
Classification: Likely benign for Hereditary nonpolyposis colorectal neoplasms. Last evaluated: 2025-09-24. Review status: criteria provided, single submitter. Criteria: Invitae Variant Classification Sherloc (09022015). Collection method: clinical testing. Allele origin: germline.

Myriad Genetics, Inc.
Classification: Benign for Lynch syndrome 5. Last evaluated: 2025-01-02. Review status: criteria provided, single submitter. Criteria: Myriad Autosomal Dominant, Autosomal Recessive and X-Linked Classification Criteria (2023). Collection method: clinical testing. Allele origin: unknown.
Comment: This variant is considered benign. This variant is a silent/synonymous amino acid change and it is not expected to impact splicing.

Ambry Genetics
Classification: Likely benign for Hereditary cancer-predisposing syndrome. Last evaluated: 2021-04-28. Review status: criteria provided, single submitter. Criteria: Ambry Variant Classification Scheme 2023. Collection method: clinical testing. Allele origin: germline.

GeneDx
Classification: Likely benign. Last evaluated: 2021-04-16. Review status: criteria provided, single submitter. Criteria: GeneDx Variant Classification Process June 2021. Collection method: clinical testing. Allele origin: germline. Affected: yes.